The following is an entry in ClinVar:

ClinVar aggregate classification (germline): Pathogenic (1 of 4 stars; one submission).

Conditions:
Neonatal-onset encephalopathy with rigidity and seizures. Also called: Lethal neonatal spasticity-epileptic encephalopathy syndrome. Identifiers: Orphanet 435845, MedGen C3281029, MONDO:0013784, OMIM 614498.

Submission:

Labcorp Genetics (formerly Invitae), Labcorp
Classification: Pathogenic for Neonatal-onset encephalopathy with rigidity and seizures. Last evaluated: 2019-01-01. Review status: criteria provided, single submitter. Criteria: Invitae Variant Classification Sherloc (09022015). Collection method: clinical testing. Allele origin: germline.
Comment: For these reasons, this variant has been classified as Pathogenic. Loss-of-function variants in BRAT1 are known to be pathogenic (PMID: 22279524, 25500575). This variant has not been reported in the literature in individuals with BRAT1-related conditions. The frequency data for this variant in the population databases is considered unreliable, as metrics indicate poor data quality at this position in the ExAC database. This sequence change creates a premature translational stop signal (p.His133Argfs*55) in the BRAT1 gene. It is expected to result in an absent or disrupted protein product.

Literature cited by the submitters: PubMed 22279524; PubMed 25500575.

NM_152743.4(BRAT1):c.398_405del (p.His133fs)

Gene: BRAT1 (BRCA1 associated ATM activator 1; minus strand). Cytogenetic location: 7p22.3.
Variant type: Deletion.
Coding change: c.398_405del on transcript NM_152743.4 (MANE Select); coding-DNA positions 398 to 405, 8 bases deleted (ACCCCAGC; older notation c.398_405delACCCCAGC).
Protein change: p.His133fs; shifts the reading frame from histidine 133.
Molecular consequence: frameshift variant. On other transcripts: non-coding transcript variant (1), intron variant (1).
Genome position (GRCh38, 1-based): chr7:2,544,934-2,544,941, GCTGGGGT deleted on the plus strand (ACCCCAGC on the coding strand, the reverse complement: BRAT1 is on the minus strand); deleting any 8 consecutive bases within chr7:2,544,934-2,544,945 gives the same sequence; the c. name uses the placement nearest the transcript's 3' end. VCF-style (leftmost placement, unchanged base first): chr7-2544933-CGCTGGGGT-C. GRCh37 (hg19) VCF-style: chr7-2584567-CGCTGGGGT-C.
Other names: c.398_405del, p.His133fs (NM_001350626.2); c.-95-979_-95-972del (NM_001350627.2); short protein forms H133fs.
Identifiers: ClinVar variation 842737 (VCV000842737.7), dbSNP rs760389988, ClinGen allele CA4128222.
Genomic context (GRCh38, chr7:2,544,933, plus strand): 5'-AGGATGAGGAATGGGGTGGGGTGTGGGCGCACTCACCATGGTCGGCCAGGAAGCGCAGGG[CGCTGGGGT>C]GCTGTGCCAGGGAGCGCAGGCCCTGGATCCAGCCGCTGCGCACGGTGGGGACGGCCCAGG-3'